The following is an entry in ClinVar:

ClinVar aggregate classification (germline): Uncertain significance (1 of 4 stars; one submission).

Conditions:
COL4A5-related disorder. Also called: COL4A5-related condition.

Submission:

PreventionGenetics, part of Exact Sciences
Classification: Uncertain significance for COL4A5-related condition. Last evaluated: 2025-01-08. Review status: criteria provided, single submitter. Criteria: ACMG Guidelines, 2015. Collection method: clinical testing. Allele origin: germline.
Comment: The COL4A5 c.925C>A variant is predicted to result in the amino acid substitution p.Pro309Thr. To our knowledge, this variant has not been reported in the literature or in a large population database (gnomAD), indicating this variant is rare. At this time, the clinical significance of this variant is uncertain due to the absence of conclusive functional and genetic evidence.

NM_033380.3(COL4A5):c.925C>A (p.Pro309Thr)

Gene: COL4A5 (collagen type IV alpha 5 chain; plus strand). Cytogenetic location: Xq22.3.
Variant type: single nucleotide variant.
Coding change: c.925C>A on transcript NM_033380.3 (MANE Select); coding-DNA position 925, C replaced by A.
Protein change: p.Pro309Thr; replaces proline 309 with threonine.
Molecular consequence: missense variant.
Genome position (GRCh38, 1-based): chrX:108,581,016, C>A. VCF-style: chrX-108581016-C-A. GRCh37 (hg19) VCF-style: chrX-107824246-C-A.
Other names: c.925C>A, p.Pro309Thr (NM_000495.5); short protein forms P309T.
Identifiers: ClinVar variation 5001536 (VCV005001536.1).